The following is an entry in ClinVar:

NM_002691.4(POLD1):c.2423G>A (p.Arg808His)

Gene: POLD1 (DNA polymerase delta 1, catalytic subunit; plus strand). Cytogenetic location: 19q13.33.
Variant type: single nucleotide variant.
Coding change: c.2423G>A on transcript NM_002691.4 (MANE Select); coding-DNA position 2423, G replaced by A.
Protein change: p.Arg808His; replaces arginine 808 with histidine.
Molecular consequence: missense variant. On other transcripts: non-coding transcript variant (1).
Genome position (GRCh38, 1-based): chr19:50,414,849, G>A. VCF-style: chr19-50414849-G-A. GRCh37 (hg19) VCF-style: chr19-50918106-G-A.
Other names: c.2423G>A, p.Arg808His (NM_001256849.1); c.2501G>A, p.Arg834His (NM_001308632.1); c.2423G>A (NM_002691.2); short protein forms R808H, R834H.
Identifiers: ClinVar variation 655688 (VCV000655688.10), dbSNP rs771700024, ClinGen allele CA9596513.

ClinVar aggregate classification (germline): Uncertain significance. Review status: criteria provided, multiple submitters, no conflicts (2 of 4 stars). 3 submissions from 3 submitters: Uncertain significance (3). Last evaluated 2025-06-19.

Conditions:
POLD1-related polyposis and colorectal cancer syndrome (CRCS10). Also called: Colorectal cancer, susceptibility to, 10; Colorectal cancer 10; COLORECTAL CANCER, SUSCEPTIBILITY TO, ON CHROMOSOME 19q. Identifiers: Orphanet 220460, MedGen C2675481, MONDO:0012953, OMIM 612591.
Hereditary cancer-predisposing syndrome. Also called: Hereditary neoplastic syndrome; Tumor predisposition; Hereditary Cancer Syndrome; Neoplastic Syndromes, Hereditary. Identifiers: Orphanet 140162, MedGen C0027672, MeSH D009386, MONDO:0015356.

Allele frequency attached by ClinVar (database versions not stated): ExAC 0.00001.

Submissions (3):

Ambry Genetics
Classification: Uncertain significance for Hereditary cancer-predisposing syndrome. Last evaluated: 2025-06-19. Review status: criteria provided, single submitter. Criteria: Ambry Variant Classification Scheme 2023. Collection method: clinical testing. Allele origin: germline.
Comment: The p.R808H variant (also known as c.2423G>A), located in coding exon 19 of the POLD1 gene, results from a G to A substitution at nucleotide position 2423. The arginine at codon 808 is replaced by histidine, an amino acid with highly similar properties. This amino acid position is highly conserved in available vertebrate species. In addition, this alteration is predicted to be deleterious by in silico analysis. Based on the available evidence, the clinical significance of this variant remains unclear.

GeneDx
Classification: Uncertain significance. Last evaluated: 2023-06-05. Review status: criteria provided, single submitter. Criteria: GeneDx Variant Classification Process June 2021. Collection method: clinical testing. Allele origin: germline. Affected: yes.
Comment: Not observed at significant frequency in large population cohorts (gnomAD); In silico analysis supports that this missense variant has a deleterious effect on protein structure/function; Has not been previously published as pathogenic or benign to our knowledge; This variant is associated with the following publications: (PMID: 23263490, 20951805)

Labcorp Genetics (formerly Invitae), Labcorp
Classification: Uncertain significance for POLD1-related polyposis and colorectal cancer syndrome. Last evaluated: 2021-07-07. Review status: criteria provided, single submitter. Criteria: Invitae Variant Classification Sherloc (09022015). Collection method: clinical testing. Allele origin: germline.
Comment: In summary, the available evidence is currently insufficient to determine the role of this variant in disease. Therefore, it has been classified as a Variant of Uncertain Significance. Algorithms developed to predict the effect of missense changes on protein structure and function are either unavailable or do not agree on the potential impact of this missense change (SIFT: "Deleterious"; PolyPhen-2: "Probably Damaging"; Align-GVGD: "Class C0"). This variant has not been reported in the literature in individuals with POLD1-related conditions. This variant is present in population databases (rs771700024, ExAC 0.008%). This sequence change replaces arginine with histidine at codon 808 of the POLD1 protein (p.Arg808His). The arginine residue is highly conserved and there is a small physicochemical difference between arginine and histidine.